The following is an entry in ClinVar:

NM_031935.3(HMCN1):c.6083C>T (p.Pro2028Leu)

Gene: HMCN1 (hemicentin 1; plus strand). Cytogenetic location: 1q31.1.
Variant type: single nucleotide variant.
Coding change: c.6083C>T on transcript NM_031935.3 (MANE Select); coding-DNA position 6083, C replaced by T.
Protein change: p.Pro2028Leu; replaces proline 2028 with leucine.
Molecular consequence: missense variant.
Genome position (GRCh38, 1-based): chr1:186,039,782, C>T. VCF-style: chr1-186039782-C-T. GRCh37 (hg19) VCF-style: chr1-186008914-C-T.
Other names: short protein forms P2028L.
Identifiers: ClinVar variation 1984392 (VCV001984392.5), dbSNP rs138900807, ClinGen allele CA1292457.

ClinVar aggregate classification (germline): Conflicting classifications of pathogenicity. Review status: criteria provided, conflicting classifications (1 of 4 stars). 2 submissions from 2 submitters: Uncertain significance (1); Likely benign (1). Last evaluated 2025-11-21.

Allele frequency attached by ClinVar (database versions not stated): gnomAD 0.00002; TOPMed 0.00002; ExAC 0.00003; gnomAD exomes 0.00007; ESP Exome Variant Server 0.00008.
gnomAD v4.1: 111 of 1,613,210 alleles (0.0069%); highest among the groups gnomAD compares: East Asian, 0.02%; no homozygotes.

Submissions (2):

Labcorp Genetics (formerly Invitae), Labcorp
Classification: Uncertain significance. Last evaluated: 2025-11-21. Review status: criteria provided, single submitter. Criteria: Invitae Variant Classification Sherloc (09022015). Collection method: clinical testing. Allele origin: germline.
Comment: This sequence change replaces proline, which is neutral and non-polar, with leucine, which is neutral and non-polar, at codon 2028 of the HMCN1 protein (p.Pro2028Leu). This variant is present in population databases (rs138900807, gnomAD 0.007%). This variant has not been reported in the literature in individuals affected with HMCN1-related conditions. ClinVar contains an entry for this variant (Variation ID: 1984392). An algorithm developed to predict the effect of missense changes on protein structure and function outputs the following: PolyPhen-2: "Benign". The leucine amino acid residue is found in multiple mammalian species, which suggests that this missense change does not adversely affect protein function. In summary, the available evidence is currently insufficient to determine the role of this variant in disease. Therefore, it has been classified as a Variant of Uncertain Significance.

Ambry Genetics
Classification: Likely benign. Last evaluated: 2021-07-26. Review status: criteria provided, single submitter. Criteria: Ambry Variant Classification Scheme 2023. Collection method: clinical testing. Allele origin: germline.